The following is an entry in ClinVar:

NM_000071.3(CBS):c.31G>A (p.Gly11Arg)

Gene: CBS (cystathionine beta-synthase; minus strand). Cytogenetic location: 21q22.3.
Variant type: single nucleotide variant.
Coding change: c.31G>A on transcript NM_000071.3 (MANE Select); coding-DNA position 31, G replaced by A.
Protein change: p.Gly11Arg; replaces glycine 11 with arginine.
Molecular consequence: missense variant.
Genome position (GRCh38, 1-based): chr21:43,072,163, C>T on the plus strand (G>A on the coding strand, the complement: CBS is on the minus strand). VCF-style: chr21-43072163-C-T. GRCh37 (hg19) VCF-style: chr21-44492273-C-T.
Other names: c.31G>A, p.Gly11Arg (NM_001178008.3, NM_001178009.3, NM_001320298.2); short protein forms G11R.
Identifiers: ClinVar variation 4685754 (VCV004685754.1).

ClinVar aggregate classification (germline): Uncertain significance (1 of 4 stars; one submission).

Submission:

ARUP Laboratories, Molecular Genetics and Genomics, ARUP Laboratories
Classification: Uncertain significance. Last evaluated: 2025-04-16. Review status: criteria provided, single submitter. Criteria: ARUP Molecular Germline Variant Investigation Process 2024. Collection method: clinical testing. Allele origin: germline.
Comment: The CBS c.31G>A; p.Gly11Arg variant (rs1205411379), to our knowledge, is not reported in the medical literature or gene specific databases. This variant is only observed on two alleles in the Genome Aggregation Database (v2.1.1), indicating it is not a common polymorphism. Computational analyses are uncertain whether this variant is neutral or deleterious (REVEL: 0.173). Due to limited information, the clinical significance of this variant is uncertain at this time.